The following is an entry in ClinVar:

ClinVar aggregate classification (germline): Benign/Likely benign. Review status: criteria provided, multiple submitters, no conflicts (2 of 4 stars). 4 submissions from 4 submitters: Benign (2); Likely benign (2). Last evaluated 2025-08-08.

Conditions:
Cataract 14 multiple types. Also called: CATARACT 14, ZONULAR PULVERULENT; CATARACT 14, NUCLEAR PULVERULENT; CATARACT 14, NUCLEAR PULVERULENT AND POSTERIOR POLAR; CATARACT 14, NUCLEAR CORALLIFORM; CATARACT 14, EMBRYONAL NUCLEAR; CATARACT 14, COPPOCK-LIKE. Identifiers: Orphanet 91492, MedGen C1866078, MONDO:0011162, OMIM 601885.

Allele frequency attached by ClinVar (database versions not stated): gnomAD exomes 0.00064 and 0.00156; ExAC 0.00251; ESP Exome Variant Server 0.00517; gnomAD 0.00614 and 0.00642; TOPMed 0.00652; 1000 Genomes Project 0.00759; 1000 Genomes Project 30x 0.00796.
gnomAD v4.1: 1,928 of 1,584,214 alleles (0.12%); highest among the groups gnomAD compares: African/African-American, 2.1%; 22 homozygotes.

Submissions (4):

Labcorp Genetics (formerly Invitae), Labcorp
Classification: Benign for Cataract 14 multiple types. Last evaluated: 2025-08-08. Review status: criteria provided, single submitter. Criteria: Invitae Variant Classification Sherloc (09022015). Collection method: clinical testing. Allele origin: germline.

GeneDx
Classification: Likely benign. Last evaluated: 2021-10-19. Review status: criteria provided, single submitter. Criteria: GeneDx Variant Classification Process June 2021. Collection method: clinical testing. Allele origin: germline. Affected: yes.
Comment: See Variant Classification Assertion Criteria.

Illumina Laboratory Services, Illumina
Classification: Benign for Cataract 14 multiple types. Last evaluated: 2018-01-13. Review status: criteria provided, single submitter. Criteria: ICSL Variant Classification Criteria 13 December 2019. Collection method: clinical testing. Allele origin: germline.
Comment: This variant was observed in the ICSL laboratory as part of a predisposition screen in an ostensibly healthy population. It had not been previously curated by ICSL or reported in the Human Gene Mutation Database (HGMD: prior to June 1st, 2018), and was therefore a candidate for classification through an automated scoring system. Utilizing variant allele frequency, disease prevalence and penetrance estimates, and inheritance mode, an automated score was calculated to assess if this variant is too frequent to cause the disease. Based on the score and internal cut-off values, a variant classified as benign is not then subjected to further curation. The score for this variant resulted in a classification of benign for this disease.

Breakthrough Genomics
Classification: Likely benign. Review status: criteria provided, single submitter. Criteria: ACMG Guidelines, 2015. Collection method: not provided. Allele origin: germline. Inheritance: Autosomal dominant inheritance. Affected: yes.

NM_021954.4(GJA3):c.375A>G (p.Pro125=)

Gene: GJA3 (gap junction protein alpha 3; minus strand). Cytogenetic location: 13q12.11.
Variant type: single nucleotide variant.
Coding change: c.375A>G on transcript NM_021954.4 (MANE Select); coding-DNA position 375, A replaced by G.
Protein change: p.Pro125=; no amino-acid change (proline 125 retained).
Molecular consequence: synonymous variant.
Genome position (GRCh38, 1-based): chr13:20,142,914, T>C on the plus strand (A>G on the coding strand, the complement: GJA3 is on the minus strand). VCF-style: chr13-20142914-T-C. GRCh37 (hg19) VCF-style: chr13-20717053-T-C.
Identifiers: ClinVar variation 311347 (VCV000311347.19), dbSNP rs111863858, ClinGen allele CA6904130.